The following is an entry in ClinVar:

ClinVar aggregate classification (germline): Uncertain significance (1 of 4 stars; one submission).

Submission:

Labcorp Genetics (formerly Invitae), Labcorp
Classification: Uncertain significance. Last evaluated: 2026-01-09. Review status: criteria provided, single submitter. Criteria: Invitae Variant Classification Sherloc (09022015). Collection method: clinical testing. Allele origin: germline.
Comment: This sequence change replaces lysine, which is basic and polar, with threonine, which is neutral and polar, at codon 1221 of the NEXMIF protein (p.Lys1221Thr). This variant is not present in population databases (gnomAD no frequency). This variant has not been reported in the literature in individuals affected with NEXMIF-related conditions. An algorithm developed to predict the effect of missense changes on protein structure and function (PolyPhen-2) suggests that this variant is likely to be disruptive. In summary, the available evidence is currently insufficient to determine the role of this variant in disease. Therefore, it has been classified as a Variant of Uncertain Significance.

NM_001008537.3(NEXMIF):c.3662A>C (p.Lys1221Thr)

Gene: NEXMIF (neurite extension and migration factor; minus strand). Cytogenetic location: Xq13.3.
Variant type: single nucleotide variant.
Coding change: c.3662A>C on transcript NM_001008537.3 (MANE Select); coding-DNA position 3662, A replaced by C.
Protein change: p.Lys1221Thr; replaces lysine 1221 with threonine.
Molecular consequence: missense variant.
Genome position (GRCh38, 1-based): chrX:74,740,895, T>G on the plus strand (A>C on the coding strand, the complement: NEXMIF is on the minus strand). VCF-style: chrX-74740895-T-G. GRCh37 (hg19) VCF-style: chrX-73960730-T-G.
Other names: short protein forms K1221T.
Identifiers: ClinVar variation 4807007 (VCV004807007.1).